The following is an entry in ClinVar:

NM_006612.6(KIF1C):c.2048G>A (p.Arg683His)

Gene: KIF1C (kinesin family member 1C; plus strand). Cytogenetic location: 17p13.2.
Variant type: single nucleotide variant.
Coding change: c.2048G>A on transcript NM_006612.6 (MANE Select); coding-DNA position 2048, G replaced by A.
Protein change: p.Arg683His; replaces arginine 683 with histidine.
Molecular consequence: missense variant.
Genome position (GRCh38, 1-based): chr17:5,022,129, G>A. VCF-style: chr17-5022129-G-A. GRCh37 (hg19) VCF-style: chr17-4925424-G-A.
Other names: p.Arg683His; c.2048G>A (NM_006612.5); short protein forms R683H.
Identifiers: ClinVar variation 2706928 (VCV002706928.6), dbSNP rs1002320182, ClinGen allele CA287185746.

ClinVar aggregate classification (germline): Conflicting classifications of pathogenicity. Review status: criteria provided, conflicting classifications (1 of 4 stars). 4 submissions from 4 submitters: Uncertain significance (3); Likely benign (1). Last evaluated 2026-03-13.

Conditions:
Inborn genetic diseases. Identifiers: MedGen C0950123, MeSH D030342.
Spastic ataxia 2. Also called: Ataxia, spastic, 2, autosomal recessive. Identifiers: Orphanet 397946, MedGen C1969796, MONDO:0012651, OMIM 611302.

Allele frequency attached by ClinVar (database versions not stated): gnomAD 0.00001; gnomAD exomes 0.00002; TOPMed 0.00002.
gnomAD v4.1: 27 of 1,610,988 alleles (0.0017%); highest among the groups gnomAD compares: African/African-American, 0.0053%; no homozygotes.

Submissions (4):

Women's Health and Genetics/Laboratory Corporation of America, LabCorp
Classification: Uncertain significance. Last evaluated: 2026-03-13. Review status: criteria provided, single submitter. Criteria: LabCorp Variant Classification Summary - May 2015. Collection method: clinical testing. Allele origin: germline.
Comment: Variant summary: KIF1C c.2048G>A (p.Arg683His) results in a non-conservative amino acid change in the encoded protein sequence. Algorithms developed to predict the effect of missense changes on protein structure and function are either unavailable or do not agree on the potential impact of this missense change. The variant allele was found at a frequency of 2e-05 in 249262 control chromosomes. The available data on variant occurrences in the general population are insufficient to allow any conclusion about variant significance. To our knowledge, no occurrence of c.2048G>A in individuals affected with KIF1C-related conditions and no experimental evidence demonstrating its impact on protein function have been reported. ClinVar contains an entry for this variant (Variation ID: 2706928). Based on the evidence outlined above, the variant was classified as uncertain significance.

Ambry Genetics
Classification: Uncertain significance for Inborn genetic diseases. Last evaluated: 2025-06-07. Review status: criteria provided, single submitter. Criteria: Ambry Variant Classification Scheme 2023. Collection method: clinical testing. Allele origin: germline.

Mayo Clinic Laboratories, Mayo Clinic
Classification: Uncertain significance. Last evaluated: 2025-03-12. Review status: criteria provided, single submitter. Criteria: ACMG Guidelines, 2015. Collection method: clinical testing. Allele origin: germline. Observed: 1 variant allele.
Comment: PM2_supporting

Labcorp Genetics (formerly Invitae), Labcorp
Classification: Likely benign for Spastic ataxia 2. Last evaluated: 2023-11-13. Review status: criteria provided, single submitter. Criteria: Invitae Variant Classification Sherloc (09022015). Collection method: clinical testing. Allele origin: germline.